The following is an entry in ClinVar:

ClinVar aggregate classification (germline): Likely benign (1 of 4 stars; one submission).

Conditions:
DST-related disorder. Also called: DST-related disorders; DST-related condition.

gnomAD v4.1: 21 of 1,551,396 alleles (0.0014%); highest among the groups gnomAD compares: Non-Finnish European, 0.0018%; no homozygotes.

Submission:

PreventionGenetics, part of Exact Sciences
Classification: Likely benign for DST-related condition. Last evaluated: 2026-02-24. Review status: criteria provided, single submitter. Criteria: ACMG Guidelines, 2015. Collection method: clinical testing. Allele origin: germline.
Comment: This variant is classified as likely benign based on ACMG/AMP sequence variant interpretation guidelines (Richards et al. 2015 PMID: 25741868, with internal and published modifications).

NM_001374736.1(DST):c.418-175C>T

Genes: DST (dystonin; minus strand), DST-AS1 (DST antisense RNA 1; plus strand). Cytogenetic location: 6p12.1.
Variant type: single nucleotide variant.
Coding change: c.418-175C>T on transcript NM_001374736.1 (MANE Select); 175 bases into the intron before coding-DNA position 418, C replaced by T.
Molecular consequence: intron variant.
Genome position (GRCh38, 1-based): chr6:56,851,779, G>A on the plus strand (C>T on the coding strand, the complement: DST is on the minus strand). VCF-style: chr6-56851779-G-A. GRCh37 (hg19) VCF-style: chr6-56716577-G-A.
Other names: c.418-175C>T (NM_001144769.5, NM_001374722.1); c.445-175C>T (NM_001374734.1); c.3+9C>T (NM_001144770.2).
Identifiers: ClinVar variation 4987801 (VCV004987801.1).
Genomic context (GRCh38, chr6:56,851,779, plus strand): 5'-GCATATCCTGCACCATCCTCGGAGCTGAGGGAATATGCAGAAACCAAAAAAATAAAACCC[G>A]GAGCTCACCATCTTTTCTTGGCCAAGTCTCCAATCGTAAAAACAATACACAGGCAGTTTC-3'